The following is an entry in ClinVar:

NM_138814.4(PNPLA5):c.825C>T (p.Asp275=)

Gene: PNPLA5 (patatin like domain 5, triacylglycerol lipase; minus strand). Cytogenetic location: 22q13.31.
Variant type: single nucleotide variant.
Coding change: c.825C>T on transcript NM_138814.4 (MANE Select); coding-DNA position 825, C replaced by T.
Protein change: p.Asp275=; no amino-acid change (aspartic acid 275 retained).
Molecular consequence: synonymous variant.
Genome position (GRCh38, 1-based): chr22:43,886,427, G>A on the plus strand (C>T on the coding strand, the complement: PNPLA5 is on the minus strand). VCF-style: chr22-43886427-G-A. GRCh37 (hg19) VCF-style: chr22-44282307-G-A.
Other names: c.405C>T, p.Asp135= (NM_001371410.1); c.483C>T, p.Asp161= (NM_001177675.2).
Identifiers: ClinVar variation 3059962 (VCV003059962.2), dbSNP rs739232, ClinGen allele CA10277473.
Genomic context (GRCh38, chr22:43,886,427, plus strand): 5'-TTTCCAGTTGAGAGACAGGCCCCCCTTCCAGCGTTGGTCACAGCCAGCATCCCAGTTTCC[G>A]TCAGCCGGGGCTGGGGGTTCCTTAGACACCAGCGTCCATAGCACTGGTTCCTTGGTGAGT-3'
Protein context (NP_620169.1, residues 265-285): LVSKEPPAPA[Asp275=]GNWDAGCDQR

ClinVar aggregate classification (germline): Benign (0 of 4 stars; one submission).

Conditions:
PNPLA5-related disorder. Also called: PNPLA5-related condition.

Allele frequency attached by ClinVar (database versions not stated): ESP Exome Variant Server 0.33115; TOPMed 0.36694; gnomAD 0.37270; gnomAD exomes 0.39839; ExAC 0.44316; 1000 Genomes Project 30x 0.47954; 1000 Genomes Project 0.49641.
gnomAD v4.1: 639,477 of 1,612,920 alleles (40%); highest among the groups gnomAD compares: East Asian, 93%; 137,178 homozygotes.

Submission:

PreventionGenetics, part of Exact Sciences
Classification: Benign for PNPLA5-related condition. Last evaluated: 2019-10-17. Review status: no assertion criteria provided. Collection method: clinical testing. Allele origin: germline.
Comment: This variant is classified as benign based on ACMG/AMP sequence variant interpretation guidelines (Richards et al. 2015 PMID: 25741868, with internal and published modifications).